The following is an entry in ClinVar:

ClinVar aggregate classification (germline): Benign/Likely benign. Review status: criteria provided, multiple submitters, no conflicts (2 of 4 stars). 8 submissions from 8 submitters: Benign (2); Likely benign (5). 1 of the submissions does not count toward it. Last evaluated 2026-02-01.

Conditions:
Beckwith-Wiedemann syndrome (BWS). Also called: EMG SYNDROME; Exomphalos macroglossia gigantism syndrome. Identifiers: Orphanet 116, MedGen C0004903, MONDO:0007534, OMIM 130650.
CDKN1C-related disorder. Also called: CDKN1C-related condition.
Inborn genetic diseases. Identifiers: MedGen C0950123, MeSH D030342.

Submissions (8):

Labcorp Genetics (formerly Invitae), Labcorp
Classification: Benign for Beckwith-Wiedemann syndrome. Last evaluated: 2026-02-01. Review status: criteria provided, single submitter. Criteria: Invitae Variant Classification Sherloc (09022015). Collection method: clinical testing. Allele origin: germline.

CeGaT Center for Human Genetics Tuebingen
Classification: Likely benign. Last evaluated: 2025-10-01. Review status: criteria provided, single submitter. Criteria: CeGaT Center For Human Genetics Tuebingen Variant Classification Criteria Version 2. Collection method: clinical testing. Allele origin: germline. Affected: yes. Observed: 9 variant alleles.
Comment: CDKN1C: BS1

Blueprint Genetics
Classification: Likely benign. Last evaluated: 2024-11-27. Review status: criteria provided, single submitter. Criteria: ACMG Guidelines, 2015. Collection method: clinical testing. Allele origin: germline.

Ambry Genetics
Classification: Benign for Inborn genetic diseases. Last evaluated: 2022-09-19. Review status: criteria provided, single submitter. Criteria: Ambry Variant Classification Scheme 2023. Collection method: clinical testing. Allele origin: germline.

Sema4
Classification: Likely benign for Beckwith-Wiedemann syndrome. Last evaluated: 2021-03-15. Review status: criteria provided, single submitter. Criteria: Sema4 Curation Guidelines. Collection method: curation. Allele origin: germline.

GeneDx
Classification: Likely benign. Last evaluated: 2019-03-12. Review status: criteria provided, single submitter. Criteria: GeneDx Variant Classification Process June 2021. Collection method: clinical testing. Allele origin: germline. Affected: yes.

Genetic Services Laboratory, University of Chicago
Classification: Likely benign. Last evaluated: 2016-07-13. Review status: criteria provided, single submitter. Criteria: ACMG Guidelines, 2015. Collection method: clinical testing. Allele origin: germline. Affected: no.

PreventionGenetics, part of Exact Sciences
Classification: Likely benign for CDKN1C-related condition. Last evaluated: 2021-01-08. Review status: no assertion criteria provided. Collection method: clinical testing. Allele origin: germline. Not counted in ClinVar's aggregate classification.
Comment: This variant is classified as likely benign based on ACMG/AMP sequence variant interpretation guidelines (Richards et al. 2015 PMID: 25741868, with internal and published modifications).

NM_001122630.2(CDKN1C):c.567_578del (p.186_187AP[8])

Gene: CDKN1C (cyclin dependent kinase inhibitor 1C; minus strand). Cytogenetic location: 11p15.4.
Variant type: Indel.
Coding change: c.567_578del on transcript NM_001122630.2 (MANE Select); coding-DNA positions 567 to 578, 12 bases deleted (AGCCCCGGCCCC).
Protein change: p.186_187AP[8].
Molecular consequence: inframe deletion. On other transcripts: intron variant (1).
Genome position (GRCh38, 1-based): chr11:2,884,879-2,884,890, GGGGCCGGGGCT deleted on the plus strand (AGCCCCGGCCCC on the coding strand, the reverse complement: CDKN1C is on the minus strand); deleting any 12 consecutive bases within chr11:2,884,879-2,884,901 gives the same sequence; the c. name uses the placement nearest the transcript's 3' end. VCF-style (leftmost placement, unchanged base first): chr11-2884878-CGGGGCCGGGGCT-C. GRCh37 (hg19) VCF-style: chr11-2906108-CGGGGCCGGGGCT-C.
Other names: c.600_611del, p.197_198AP[8] (LRG_533t1, NM_001362474.2); c.600_611del12 (NM_000076.2); c.567_578del, p.186_187AP[8] (NM_001122631.2); c.255+312_255+323del (NM_001362475.2); c.600_611delAGCCCCGGCCCC (NM_000076.2).
Identifiers: ClinVar variation 236960 (VCV000236960.46), dbSNP rs878853634, ClinGen allele CA10582897.